The following is an entry in ClinVar:

NM_000384.3(APOB):c.10749T>A (p.His3583Gln)

Gene: APOB (apolipoprotein B; minus strand). Cytogenetic location: 2p24.1.
Variant type: single nucleotide variant.
Coding change: c.10749T>A on transcript NM_000384.3 (MANE Select); coding-DNA position 10749, T replaced by A.
Protein change: p.His3583Gln; replaces histidine 3583 with glutamine.
Molecular consequence: missense variant.
Genome position (GRCh38, 1-based): chr2:21,006,119, A>T on the plus strand (T>A on the coding strand, the complement: APOB is on the minus strand). VCF-style: chr2-21006119-A-T. GRCh37 (hg19) VCF-style: chr2-21228991-A-T.
Other names: short protein forms H3583Q.
Identifiers: ClinVar variation 1503484 (VCV001503484.5), dbSNP rs760930880, ClinGen allele CA43495056.

ClinVar aggregate classification (germline): Uncertain significance (1 of 4 stars; one submission).

Conditions:
Familial hypobetalipoproteinemia 1. Also called: APOB-Related Familial Hypobetalipoproteinemia; Hypobetalipoproteinemia, normotriglyceridemic; Acanthocytosis with hypobetalipoproteinemia. Identifiers: MedGen C4551990, MONDO:0014252, OMIM 615558.
Hypercholesterolemia, autosomal dominant, type B (FHCL2). Also called: Familial Hypercholesterolemia Type B; APOLIPOPROTEIN B-100, FAMILIAL DEFECTIVE; APOLIPOPROTEIN B-100, FAMILIAL LIGAND-DEFECTIVE; HYPERCHOLESTEROLEMIA, FAMILIAL, DUE TO LIGAND-DEFECTIVE APOLIPOPROTEIN B; Familial hypercholesterolemia 2; Hyperlipoproteinemia Type IIb. Identifiers: MedGen C1704417, MONDO:0007751, OMIM 144010.

Allele frequency attached by ClinVar (database versions not stated): TOPMed below 0.00001; gnomAD 0.00001; gnomAD exomes 0.00002.

Submission:

Labcorp Genetics (formerly Invitae), Labcorp
Classification: Uncertain significance for Familial hypobetalipoproteinemia 1; Hypercholesterolemia, autosomal dominant, type B. Last evaluated: 2021-09-02. Review status: criteria provided, single submitter. Criteria: Invitae Variant Classification Sherloc (09022015). Collection method: clinical testing. Allele origin: germline.
Comment: This sequence change replaces histidine with glutamine at codon 3583 of the APOB protein (p.His3583Gln). The histidine residue is weakly conserved and there is a small physicochemical difference between histidine and glutamine. This variant is not present in population databases (ExAC no frequency). This variant has not been reported in the literature in individuals affected with APOB-related conditions. Algorithms developed to predict the effect of missense changes on protein structure and function output the following: SIFT: "Tolerated"; PolyPhen-2: "Benign"; Align-GVGD: "Class C0". The glutamine amino acid residue is found in multiple mammalian species, which suggests that this missense change does not adversely affect protein function. In summary, the available evidence is currently insufficient to determine the role of this variant in disease. Therefore, it has been classified as a Variant of Uncertain Significance.